The following is an entry in ClinVar:

ClinVar aggregate classification (germline): Conflicting classifications of pathogenicity. Review status: criteria provided, conflicting classifications (1 of 4 stars). 2 submissions from 2 submitters: Uncertain significance (1); Likely benign (1). Last evaluated 2025-09-13.

Conditions:
Kabuki syndrome 1 (KABUK1). Also called: KMT2D-Related Kabuki Syndrome. Identifiers: Orphanet 2322, MedGen CN030661, MONDO:0007843, OMIM 147920.
Choanal atresia-athelia-hypothyroidism-delayed puberty-short stature syndrome (BCAHH). Also called: BRANCHIAL ARCH ABNORMALITIES, CHOANAL ATRESIA, ATHELIA, HEARING LOSS, AND HYPOTHYROIDISM SYNDROME. Identifiers: Orphanet 589856, MedGen C5680310, MONDO:0035651, OMIM 620186.
Kabuki syndrome. Also called: Kabuki make-up syndrome; NIIKAWA-KUROKI SYNDROME. Identifiers: Orphanet 2322, MedGen C0796004, MONDO:0016512.

Submissions (2):

Labcorp Genetics (formerly Invitae), Labcorp
Classification: Uncertain significance for Kabuki syndrome. Last evaluated: 2025-09-13. Review status: criteria provided, single submitter. Criteria: Invitae Variant Classification Sherloc (09022015). Collection method: clinical testing. Allele origin: germline.
Comment: This variant, c.11826_11828del, results in the deletion of 1 amino acid(s) of the KMT2D protein (p.Gln3947del), but otherwise preserves the integrity of the reading frame. The frequency data for this variant in the population databases is considered unreliable, as metrics indicate poor data quality at this position in the gnomAD database. This variant has not been reported in the literature in individuals affected with KMT2D-related conditions. Experimental studies and prediction algorithms are not available or were not evaluated, and the functional significance of this variant is currently unknown. In summary, the available evidence is currently insufficient to determine the role of this variant in disease. Therefore, it has been classified as a Variant of Uncertain Significance.

Fulgent Genetics
Classification: Likely benign for Kabuki syndrome 1; Choanal atresia-athelia-hypothyroidism-delayed puberty-short stature syndrome. Last evaluated: 2024-04-18. Review status: criteria provided, single submitter. Criteria: ACMG Guidelines, 2015. Collection method: clinical testing. Allele origin: germline.

NM_003482.4(KMT2D):c.11823ACA[1] (p.Gln3947del)

Gene: KMT2D (lysine methyltransferase 2D; minus strand). Cytogenetic location: 12q13.12.
Variant type: Microsatellite.
Coding change: c.11823ACA[1] on transcript NM_003482.4 (MANE Select); one copy of the 3-base unit ACA starting at c.11823; the reference has two copies in a row; one copy, 3 bases deleted; also written c.11826_11828del.
Protein change: p.Gln3947del; deletes glutamine 3947.
Molecular consequence: inframe deletion.
Genome position (GRCh38, 1-based): chr12:49,032,877-49,032,879, TGT deleted on the plus strand (ACA on the coding strand, the reverse complement: KMT2D is on the minus strand); deleting any 3 consecutive bases within chr12:49,032,877-49,032,884 gives the same sequence; the position shown is the placement nearest the transcript's 3' end. VCF-style (leftmost placement, unchanged base first): chr12-49032876-CTGT-C. GRCh37 (hg19) VCF-style: chr12-49426659-CTGT-C.
Other names: c.11826_11828del (NM_003482.4); short protein forms Q3947del.
Identifiers: ClinVar variation 2145643 (VCV002145643.5), dbSNP rs1413843050, ClinGen allele CA605233612.